The following is an entry in ClinVar:

ClinVar aggregate classification (germline): Conflicting classifications of pathogenicity. Review status: criteria provided, conflicting classifications (1 of 4 stars). 13 submissions from 13 submitters: Uncertain significance (1); Benign (2); Likely benign (6). 4 of the submissions do not count toward it. Last evaluated 2026-01-24.

Conditions:
TTN-related disorder. Also called: TTN-related disorders; TTN-related condition; TTN-related disease.
Cardiovascular phenotype. Identifiers: MedGen CN230736.
Dilated cardiomyopathy 1G (CMD1G). Identifiers: Orphanet 154, MedGen C1858763, MONDO:0011400, OMIM 604145.
Autosomal recessive limb-girdle muscular dystrophy type 2J (LGMDR10). Also called: Limb-girdle muscular dystrophy, type 2J; MUSCULAR DYSTROPHY, LIMB-GIRDLE, AUTOSOMAL RECESSIVE 10. Identifiers: Orphanet 140922, MedGen C1837342, MONDO:0012127, OMIM 608807.
Cardiomyopathy (CMYO). Also called: Cardiomyopathies. Identifiers: Orphanet 167848, MedGen C0878544, MONDO:0004994, HP:0001638. Inheritance: Various modes of inheritance.

Allele frequency attached by ClinVar (database versions not stated): TOPMed 0.00026; gnomAD exomes 0.00010 and 0.00025; gnomAD 0.00011 and 0.00010; ExAC 0.00017; 1000 Genomes Project 30x 0.00031.
gnomAD v4.1: 173 of 1,612,868 alleles (0.011%); highest among the groups gnomAD compares: Middle Eastern, 0.13%; no homozygotes.

Submissions (13):

Labcorp Genetics (formerly Invitae), Labcorp
Classification: Likely benign for Dilated cardiomyopathy 1G; Autosomal recessive limb-girdle muscular dystrophy type 2J. Last evaluated: 2026-01-24. Review status: criteria provided, single submitter. Criteria: Invitae Variant Classification Sherloc (09022015). Collection method: clinical testing. Allele origin: germline.

Molecular Diagnostic Laboratory for Inherited Cardiovascular Disease, Montreal Heart Institute
Classification: Likely benign. Last evaluated: 2025-04-09. Review status: criteria provided, single submitter. Criteria: ACMG Guidelines, 2015. Collection method: clinical testing. Allele origin: germline. Affected: no.

Revvity Omics, Revvity
Classification: Likely benign. Last evaluated: 2025-01-28. Review status: criteria provided, single submitter. Criteria: ACMG Guidelines, 2015. Collection method: clinical testing. Allele origin: germline.

Blueprint Genetics
Classification: Likely benign. Last evaluated: 2024-10-15. Review status: criteria provided, single submitter. Criteria: ACMG Guidelines, 2015. Collection method: clinical testing. Allele origin: germline.

CHEO Genetics Diagnostic Laboratory, Children's Hospital of Eastern Ontario
Classification: Likely benign for Cardiomyopathy. Last evaluated: 2022-11-30. Review status: criteria provided, single submitter. Criteria: ACMG Guidelines, 2015. Collection method: clinical testing. Allele origin: germline.

Ambry Genetics
Classification: Likely benign for Cardiovascular phenotype. Last evaluated: 2019-07-18. Review status: criteria provided, single submitter. Criteria: Ambry Variant Classification Scheme 2023. Collection method: clinical testing. Allele origin: germline.

Athena Diagnostics
Classification: Benign. Last evaluated: 2018-10-04. Review status: criteria provided, single submitter. Criteria: Athena Diagnostics Criteria. Collection method: clinical testing. Allele origin: germline.

Eurofins Ntd Llc (ga)
Classification: Uncertain significance. Last evaluated: 2016-09-16. Review status: criteria provided, single submitter. Criteria: EGL Classification Definitions 2015. Collection method: clinical testing. Allele origin: germline. Observed: 2 variant alleles, 2 heterozygotes.

GeneDx
Classification: Benign. Last evaluated: 2014-03-10. Review status: criteria provided, single submitter. Criteria: GeneDx Variant Classification (06012015). Collection method: clinical testing. Allele origin: germline. Affected: yes.
Comment: This variant is considered likely benign or benign based on one or more of the following criteria: it is a conservative change, it occurs at a poorly conserved position in the protein, it is predicted to be benign by multiple in silico algorithms, and/or has population frequency not consistent with disease.

PreventionGenetics, part of Exact Sciences
Classification: Likely benign for TTN-related condition. Last evaluated: 2020-07-14. Review status: no assertion criteria provided. Collection method: clinical testing. Allele origin: germline. Not counted in ClinVar's aggregate classification.
Comment: This variant is classified as likely benign based on ACMG/AMP sequence variant interpretation guidelines (Richards et al. 2015 PMID: 25741868, with internal and published modifications).

Clinical Genetics DNA and cytogenetics Diagnostics Lab, Erasmus MC, Erasmus Medical Center
Classification: Likely benign. Review status: no assertion criteria provided. Collection method: clinical testing. Allele origin: germline. Affected: yes. Study: VKGL Data-share Consensus. Not counted in ClinVar's aggregate classification.

Clinical Genetics, Academic Medical Center
Classification: Benign. Review status: no assertion criteria provided. Collection method: clinical testing. Allele origin: germline. Affected: yes. Study: VKGL Data-share Consensus. Not counted in ClinVar's aggregate classification.

Diagnostic Laboratory, Department of Genetics, University Medical Center Groningen
Classification: Likely benign. Review status: no assertion criteria provided. Collection method: clinical testing. Allele origin: germline. Affected: yes. Study: VKGL Data-share Consensus. Not counted in ClinVar's aggregate classification.

NM_001267550.2(TTN):c.66051G>A (p.Val22017=)

Genes: TTN (titin; minus strand), TTN-AS1 (TTN antisense RNA 1; plus strand). Cytogenetic location: 2q31.2.
Variant type: single nucleotide variant.
Coding change: c.66051G>A on transcript NM_001267550.2 (MANE Select); coding-DNA position 66051, G replaced by A.
Protein change: p.Val22017=; no amino-acid change (valine 22017 retained).
Molecular consequence: synonymous variant.
Genome position (GRCh38, 1-based): chr2:178,582,405, C>T on the plus strand (G>A on the coding strand, the complement: TTN is on the minus strand). VCF-style: chr2-178582405-C-T. GRCh37 (hg19) VCF-style: chr2-179447132-C-T.
Other names: p.V20376V:GTG>GTA; c.61128G>A, p.Val20376= (NM_001256850.1); c.38856G>A, p.Val12952= (NM_003319.4); c.58347G>A, p.Val19449= (NM_133378.4); c.39231G>A, p.Val13077= (NM_133432.3); c.39432G>A, p.Val13144= (NM_133437.4).
Identifiers: ClinVar variation 137801 (VCV000137801.35), dbSNP rs587780981, ClinGen allele CA291463.
Genomic context (GRCh38, chr2:178,582,405, plus strand): 5'-TCCATATTTATTTTCAGCACAAATACGGAACTGATACTCATGGCCCTCTATAAGTTTCTC[C>T]ACGCTGCAGCTGGTGATAGGCACAGTTGCAGAGACTTGAGCCCAGTTGGGCCTGCTTGTT-3'
Protein context (NP_001254479.2, residues 22007-22027): SATVPITSCS[Val22017=]EKLIEGHEYQ